The following continues an entry in ClinVar:

NM_015268.4(DNAJC13):c.5560+4A>T

Gene: DNAJC13. ClinVar aggregate classification (germline): Benign. Benign (3).

Submissions 68 to 103 of 123:

Dr. Peter K. Rogan Lab, Western University
No classification provided (evidence only). Condition: Ovarian cancer. Review status: no classification provided. Collection method: in vitro. Allele origin: not applicable. Functional consequence: skipped exon. Not counted in ClinVar's aggregate classification.

Dr. Peter K. Rogan Lab, Western University
No classification provided (evidence only). Condition: Ovarian cancer. Review status: no classification provided. Collection method: in vitro. Allele origin: not applicable. Functional consequence: skipped exon, retained intron. Not counted in ClinVar's aggregate classification.

Dr. Peter K. Rogan Lab, Western University
No classification provided (evidence only). Condition: Ovarian cancer. Review status: no classification provided. Collection method: in vitro. Allele origin: not applicable. Functional consequence: skipped exon, retained intron. Not counted in ClinVar's aggregate classification.

Dr. Peter K. Rogan Lab, Western University
No classification provided (evidence only). Condition: Ovarian cancer. Review status: no classification provided. Collection method: in vitro. Allele origin: not applicable. Functional consequence: skipped exon, retained intron. Not counted in ClinVar's aggregate classification.

Dr. Peter K. Rogan Lab, Western University
No classification provided (evidence only). Condition: Ovarian cancer. Review status: no classification provided. Collection method: in vitro. Allele origin: not applicable. Functional consequence: skipped exon, retained intron. Not counted in ClinVar's aggregate classification.

Dr. Peter K. Rogan Lab, Western University
No classification provided (evidence only). Condition: Ovarian cancer. Review status: no classification provided. Collection method: in vitro. Allele origin: not applicable. Functional consequence: skipped exon, retained intron. Not counted in ClinVar's aggregate classification.

Dr. Peter K. Rogan Lab, Western University
No classification provided (evidence only). Condition: Familial cancer of breast. Review status: no classification provided. Collection method: in vitro. Allele origin: not applicable. Functional consequence: skipped exon, retained intron. Not counted in ClinVar's aggregate classification.

Dr. Peter K. Rogan Lab, Western University
No classification provided (evidence only). Condition: Familial cancer of breast. Review status: no classification provided. Collection method: in vitro. Allele origin: not applicable. Functional consequence: skipped exon, retained intron. Not counted in ClinVar's aggregate classification.

Dr. Peter K. Rogan Lab, Western University
No classification provided (evidence only). Condition: Acute myeloid leukemia. Review status: no classification provided. Collection method: in vitro. Allele origin: not applicable. Functional consequence: retained intron. Not counted in ClinVar's aggregate classification.

Dr. Peter K. Rogan Lab, Western University
No classification provided (evidence only). Condition: Acute myeloid leukemia. Review status: no classification provided. Collection method: in vitro. Allele origin: not applicable. Functional consequence: skipped exon, retained intron. Not counted in ClinVar's aggregate classification.

Dr. Peter K. Rogan Lab, Western University
No classification provided (evidence only). Condition: Acute myeloid leukemia. Review status: no classification provided. Collection method: in vitro. Allele origin: not applicable. Functional consequence: skipped exon, retained intron. Not counted in ClinVar's aggregate classification.

Dr. Peter K. Rogan Lab, Western University
No classification provided (evidence only). Condition: Acute myeloid leukemia. Review status: no classification provided. Collection method: in vitro. Allele origin: not applicable. Functional consequence: skipped exon, retained intron. Not counted in ClinVar's aggregate classification.

Dr. Peter K. Rogan Lab, Western University
No classification provided (evidence only). Condition: Acute myeloid leukemia. Review status: no classification provided. Collection method: in vitro. Allele origin: not applicable. Functional consequence: skipped exon, retained intron. Not counted in ClinVar's aggregate classification.

Dr. Peter K. Rogan Lab, Western University
No classification provided (evidence only). Condition: Acute myeloid leukemia. Review status: no classification provided. Collection method: in vitro. Allele origin: not applicable. Functional consequence: skipped exon, retained intron. Not counted in ClinVar's aggregate classification.

Dr. Peter K. Rogan Lab, Western University
No classification provided (evidence only). Condition: Acute myeloid leukemia. Review status: no classification provided. Collection method: in vitro. Allele origin: not applicable. Functional consequence: skipped exon, retained intron. Not counted in ClinVar's aggregate classification.

Dr. Peter K. Rogan Lab, Western University
No classification provided (evidence only). Condition: Acute myeloid leukemia. Review status: no classification provided. Collection method: in vitro. Allele origin: not applicable. Functional consequence: skipped exon, retained intron. Not counted in ClinVar's aggregate classification.

Dr. Peter K. Rogan Lab, Western University
No classification provided (evidence only). Condition: Acute myeloid leukemia. Review status: no classification provided. Collection method: in vitro. Allele origin: not applicable. Functional consequence: skipped exon. Not counted in ClinVar's aggregate classification.

Dr. Peter K. Rogan Lab, Western University
No classification provided (evidence only). Condition: Acute myeloid leukemia. Review status: no classification provided. Collection method: in vitro. Allele origin: not applicable. Functional consequence: retained intron. Not counted in ClinVar's aggregate classification.

Dr. Peter K. Rogan Lab, Western University
No classification provided (evidence only). Condition: Acute myeloid leukemia. Review status: no classification provided. Collection method: in vitro. Allele origin: not applicable. Functional consequence: skipped exon, retained intron. Not counted in ClinVar's aggregate classification.

Dr. Peter K. Rogan Lab, Western University
No classification provided (evidence only). Condition: Acute myeloid leukemia. Review status: no classification provided. Collection method: in vitro. Allele origin: not applicable. Functional consequence: skipped exon, retained intron. Not counted in ClinVar's aggregate classification.

Dr. Peter K. Rogan Lab, Western University
No classification provided (evidence only). Condition: Acute myeloid leukemia. Review status: no classification provided. Collection method: in vitro. Allele origin: not applicable. Functional consequence: skipped exon, retained intron. Not counted in ClinVar's aggregate classification.

Dr. Peter K. Rogan Lab, Western University
No classification provided (evidence only). Condition: Colorectal cancer. Review status: no classification provided. Collection method: in vitro. Allele origin: not applicable. Functional consequence: retained intron. Not counted in ClinVar's aggregate classification.

Dr. Peter K. Rogan Lab, Western University
No classification provided (evidence only). Condition: Colorectal cancer. Review status: no classification provided. Collection method: in vitro. Allele origin: not applicable. Functional consequence: skipped exon, retained intron. Not counted in ClinVar's aggregate classification.

Dr. Peter K. Rogan Lab, Western University
No classification provided (evidence only). Condition: Colorectal cancer. Review status: no classification provided. Collection method: in vitro. Allele origin: not applicable. Functional consequence: skipped exon. Not counted in ClinVar's aggregate classification.

Dr. Peter K. Rogan Lab, Western University
No classification provided (evidence only). Condition: Colorectal cancer. Review status: no classification provided. Collection method: in vitro. Allele origin: not applicable. Functional consequence: skipped exon, retained intron. Not counted in ClinVar's aggregate classification.

Dr. Peter K. Rogan Lab, Western University
No classification provided (evidence only). Condition: Colorectal cancer. Review status: no classification provided. Collection method: in vitro. Allele origin: not applicable. Functional consequence: skipped exon, retained intron. Not counted in ClinVar's aggregate classification.

Dr. Peter K. Rogan Lab, Western University
No classification provided (evidence only). Condition: Colorectal cancer. Review status: no classification provided. Collection method: in vitro. Allele origin: not applicable. Functional consequence: skipped exon, retained intron. Not counted in ClinVar's aggregate classification.

Dr. Peter K. Rogan Lab, Western University
No classification provided (evidence only). Condition: Cervical cancer. Review status: no classification provided. Collection method: in vitro. Allele origin: not applicable. Functional consequence: retained intron. Not counted in ClinVar's aggregate classification.

Dr. Peter K. Rogan Lab, Western University
No classification provided (evidence only). Condition: Cervical cancer. Review status: no classification provided. Collection method: in vitro. Allele origin: not applicable. Functional consequence: skipped exon, retained intron. Not counted in ClinVar's aggregate classification.

Dr. Peter K. Rogan Lab, Western University
No classification provided (evidence only). Condition: Cervical cancer. Review status: no classification provided. Collection method: in vitro. Allele origin: not applicable. Functional consequence: skipped exon. Not counted in ClinVar's aggregate classification.

Dr. Peter K. Rogan Lab, Western University
No classification provided (evidence only). Condition: Cervical cancer. Review status: no classification provided. Collection method: in vitro. Allele origin: not applicable. Functional consequence: skipped exon, retained intron. Not counted in ClinVar's aggregate classification.

Dr. Peter K. Rogan Lab, Western University
No classification provided (evidence only). Condition: Cervical cancer. Review status: no classification provided. Collection method: in vitro. Allele origin: not applicable. Functional consequence: skipped exon, retained intron. Not counted in ClinVar's aggregate classification.

Dr. Peter K. Rogan Lab, Western University
No classification provided (evidence only). Condition: Cervical cancer. Review status: no classification provided. Collection method: in vitro. Allele origin: not applicable. Functional consequence: skipped exon, retained intron. Not counted in ClinVar's aggregate classification.

Dr. Peter K. Rogan Lab, Western University
No classification provided (evidence only). Condition: Cervical cancer. Review status: no classification provided. Collection method: in vitro. Allele origin: not applicable. Functional consequence: skipped exon, retained intron. Not counted in ClinVar's aggregate classification.

Dr. Peter K. Rogan Lab, Western University
No classification provided (evidence only). Condition: Cervical cancer. Review status: no classification provided. Collection method: in vitro. Allele origin: not applicable. Functional consequence: retained intron. Not counted in ClinVar's aggregate classification.

Dr. Peter K. Rogan Lab, Western University
No classification provided (evidence only). Condition: Cervical cancer. Review status: no classification provided. Collection method: in vitro. Allele origin: not applicable. Functional consequence: retained intron. Not counted in ClinVar's aggregate classification.